The following is an entry in ClinVar:

NM_001134407.3(GRIN2A):c.1842T>C (p.Asn614=)

Gene: GRIN2A (glutamate ionotropic receptor NMDA type subunit 2A; minus strand). Cytogenetic location: 16p13.2.
Variant type: single nucleotide variant.
Coding change: c.1842T>C on transcript NM_001134407.3 (MANE Select); coding-DNA position 1842, T replaced by C.
Protein change: p.Asn614=; no amino-acid change (asparagine 614 retained).
Molecular consequence: synonymous variant.
Genome position (GRCh38, 1-based): chr16:9,829,588, A>G on the plus strand (T>C on the coding strand, the complement: GRIN2A is on the minus strand). VCF-style: chr16-9829588-A-G. GRCh37 (hg19) VCF-style: chr16-9923445-A-G.
Other names: c.1842T>C, p.Asn614= (NM_000833.5, NM_001134408.2).
Identifiers: ClinVar variation 389651 (VCV000389651.13), dbSNP rs138236719, ClinGen allele CA7896623.

ClinVar aggregate classification (germline): Likely benign. Review status: criteria provided, multiple submitters, no conflicts (2 of 4 stars). 3 submissions from 3 submitters: Likely benign (3). Last evaluated 2025-07-30.

Conditions:
Landau-Kleffner syndrome (FESD). Also called: EPILEPSY, FOCAL, WITH SPEECH DISORDER AND WITH OR WITHOUT MENTAL RETARDATION; APHASIA, ACQUIRED, WITH EPILEPSY. Identifiers: Orphanet 1945, Orphanet 725, Orphanet 98818, MedGen C0282512, MONDO:0009509, OMIM 245570.

Allele frequency attached by ClinVar (database versions not stated): TOPMed 0.00001; ExAC 0.00004; gnomAD exomes 0.00001 and 0.00003; gnomAD 0.00002; ESP Exome Variant Server 0.00015.
gnomAD v4.1: 24 of 1,613,916 alleles (0.0015%); highest among the groups gnomAD compares: African/African-American, 0.0027%; no homozygotes.

Submissions (3):

Labcorp Genetics (formerly Invitae), Labcorp
Classification: Likely benign for Landau-Kleffner syndrome. Last evaluated: 2025-07-30. Review status: criteria provided, single submitter. Criteria: Invitae Variant Classification Sherloc (09022015). Collection method: clinical testing. Allele origin: germline.

Women's Health and Genetics/Laboratory Corporation of America, LabCorp
Classification: Likely benign. Last evaluated: 2025-07-16. Review status: criteria provided, single submitter. Criteria: LabCorp Variant Classification Summary - May 2015. Collection method: clinical testing. Allele origin: germline.

GeneDx
Classification: Likely benign. Last evaluated: 2016-09-28. Review status: criteria provided, single submitter. Criteria: GeneDx Variant Classification (06012015). Collection method: clinical testing. Allele origin: germline. Affected: yes.
Comment: This variant is considered likely benign or benign based on one or more of the following criteria: it is a conservative change, it occurs at a poorly conserved position in the protein, it is predicted to be benign by multiple in silico algorithms, and/or has population frequency not consistent with disease.